The following is an entry in ClinVar:

ClinVar aggregate classification (germline): Uncertain significance (1 of 4 stars; one submission).

Allele frequency attached by ClinVar (database versions not stated): TOPMed below 0.00001; ExAC 0.00001; gnomAD 0.00001; gnomAD exomes 0.00002.

Submission:

Labcorp Genetics (formerly Invitae), Labcorp
Classification: Uncertain significance. Last evaluated: 2022-04-09. Review status: criteria provided, single submitter. Criteria: Invitae Variant Classification Sherloc (09022015). Collection method: clinical testing. Allele origin: germline.
Comment: Algorithms developed to predict the effect of missense changes on protein structure and function are either unavailable or do not agree on the potential impact of this missense change (SIFT: "Not Available"; PolyPhen-2: "Benign"; Align-GVGD: "Not Available"). In summary, the available evidence is currently insufficient to determine the role of this variant in disease. Therefore, it has been classified as a Variant of Uncertain Significance. This variant has not been reported in the literature in individuals affected with IREB2-related conditions. This variant is present in population databases (rs768256137, gnomAD 0.0009%). This sequence change replaces arginine, which is basic and polar, with glycine, which is neutral and non-polar, at codon 774 of the IREB2 protein (p.Arg774Gly).

NM_004136.4(IREB2):c.2320A>G (p.Arg774Gly)

Gene: IREB2 (iron responsive element binding protein 2; plus strand). Cytogenetic location: 15q25.1.
Variant type: single nucleotide variant.
Coding change: c.2320A>G on transcript NM_004136.4 (MANE Select); coding-DNA position 2320, A replaced by G.
Protein change: p.Arg774Gly; replaces arginine 774 with glycine.
Molecular consequence: missense variant.
Genome position (GRCh38, 1-based): chr15:78,490,757, A>G. VCF-style: chr15-78490757-A-G. GRCh37 (hg19) VCF-style: chr15-78783099-A-G.
Other names: c.1570A>G, p.Arg524Gly (NM_001320941.2); c.2149A>G, p.Arg717Gly (NM_001320942.2, NM_001354994.2); short protein forms R524G, R774G, R717G.
Identifiers: ClinVar variation 1908458 (VCV001908458.5), dbSNP rs768256137, ClinGen allele CA7683204.
Genomic context (GRCh38, chr15:78,490,757, plus strand): 5'-CATATATCACCTGCAGGAAGTATCGCTAGGAATAGTGCTGCCGCTAAGTATTTGACAAAC[A>G]GAGGGTATGTGTACATGGCTTTAGAGTGTTTTTGTTTTTTCTTGTTTCTTACTGATTAAG-3'
Protein context (NP_004127.2, residues 764-784): NSAAAKYLTN[Arg774Gly]GLTPREFNSY